The following is an entry in ClinVar:

NM_002878.4(RAD51D):c.245_246delinsACTGGCACC (p.Leu82fs)

Genes: RAD51L3-RFFL (RAD51L3-RFFL readthrough; minus strand), RAD51D (RAD51 paralog D; minus strand). Cytogenetic location: 17q12.
Variant type: Indel.
Coding change: c.245_246delinsACTGGCACC on transcript NM_002878.4 (MANE Select); coding-DNA positions 245 to 246, TG replaced by ACTGGCACC.
Protein change: p.Leu82fs; shifts the reading frame from leucine 82.
Molecular consequence: frameshift variant. On other transcripts: intron variant (2).
Genome position (GRCh38, 1-based): chr17:35,118,518-35,118,519, CA replaced by GGTGCCAGT on the plus strand (TG replaced by ACTGGCACC on the coding strand, the reverse complement: RAD51D is on the minus strand). VCF-style: chr17-35118518-CA-GGTGCCAGT. GRCh37 (hg19) VCF-style: chr17-33445537-CA-GGTGCCAGT.
Other names: c.144+592_144+593delinsACTGGCACC (NM_133629.3, NM_001142571.2); short protein forms L82fs.
Identifiers: ClinVar variation 3148283 (VCV003148283.1), dbSNP rs2509181363, ClinGen allele CA2825002493.

ClinVar aggregate classification (germline): Pathogenic (1 of 4 stars; one submission).

Conditions:
Breast-ovarian cancer, familial, susceptibility to, 4. Identifiers: Orphanet 145, MedGen C3280345, MONDO:0013669, OMIM 614291.

Submission:

Myriad Genetics, Inc.
Classification: Pathogenic for Breast-ovarian cancer, familial, susceptibility to, 4. Last evaluated: 2024-01-04. Review status: criteria provided, single submitter. Criteria: Myriad Autosomal Dominant, Autosomal Recessive and X-Linked Classification Criteria (2023). Collection method: clinical testing. Allele origin: unknown.
Comment: This variant is considered pathogenic. This variant creates a frameshift predicted to result in premature protein truncation.